The following is an entry in ClinVar:

NM_001357.5(DHX9):c.1779G>A (p.Lys593=)

Gene: DHX9 (DExH-box helicase 9; plus strand). Cytogenetic location: 1q25.3.
Variant type: single nucleotide variant.
Coding change: c.1779G>A on transcript NM_001357.5 (MANE Select); coding-DNA position 1779, G replaced by A.
Protein change: p.Lys593=; no amino-acid change (lysine 593 retained).
Molecular consequence: synonymous variant. On other transcripts: non-coding transcript variant (1).
Genome position (GRCh38, 1-based): chr1:182,874,918, G>A. VCF-style: chr1-182874918-G-A. GRCh37 (hg19) VCF-style: chr1-182844053-G-A.
Identifiers: ClinVar variation 3771571 (VCV003771571.13).

ClinVar aggregate classification (germline): Likely benign (1 of 4 stars; one submission).

gnomAD v4.1: 7 of 1,613,374 alleles (0.00043%); highest among the groups gnomAD compares: Admixed American, 0.0017%; no homozygotes.

Submission:

CeGaT Center for Human Genetics Tuebingen
Classification: Likely benign. Last evaluated: 2025-02-01. Review status: criteria provided, single submitter. Criteria: CeGaT Center For Human Genetics Tuebingen Variant Classification Criteria Version 2. Collection method: clinical testing. Allele origin: germline. Affected: yes. Observed: 1 variant allele.
Comment: DHX9: BP4, BP7